The following is an entry in ClinVar:

ClinVar aggregate classification (germline): Uncertain significance (1 of 4 stars; one submission).

Conditions:
Epilepsy, X-linked 1, with variable learning disabilities and behavior disorders. Also called: X-linked epilepsy-learning disabilities-behavior disorders syndrome. Identifiers: Orphanet 85294, MedGen C5774177, MONDO:0010339, OMIM 300491.

gnomAD v4.1: 2 of 1,088,892 alleles (0.00018%); highest among the groups gnomAD compares: Non-Finnish European, 0.00024%; no homozygotes.

Submission:

Labcorp Genetics (formerly Invitae), Labcorp
Classification: Uncertain significance for Epilepsy, X-linked 1, with variable learning disabilities and behavior disorders. Last evaluated: 2024-06-26. Review status: criteria provided, single submitter. Criteria: Invitae Variant Classification Sherloc (09022015). Collection method: clinical testing. Allele origin: germline.
Comment: This sequence change replaces proline, which is neutral and non-polar, with serine, which is neutral and polar, at codon 480 of the SYN1 protein (p.Pro480Ser). This variant is not present in population databases (gnomAD no frequency). This variant has not been reported in the literature in individuals affected with SYN1-related conditions. Experimental studies and prediction algorithms are not available or were not evaluated, and the functional significance of this variant is currently unknown. In summary, the available evidence is currently insufficient to determine the role of this variant in disease. Therefore, it has been classified as a Variant of Uncertain Significance.

NM_006950.3(SYN1):c.1438C>T (p.Pro480Ser)

Gene: SYN1 (synapsin I; minus strand). Cytogenetic location: Xp11.3.
Variant type: single nucleotide variant.
Coding change: c.1438C>T on transcript NM_006950.3 (MANE Select); coding-DNA position 1438, C replaced by T.
Protein change: p.Pro480Ser; replaces proline 480 with serine.
Molecular consequence: missense variant.
Genome position (GRCh38, 1-based): chrX:47,574,546, G>A on the plus strand (C>T on the coding strand, the complement: SYN1 is on the minus strand). VCF-style: chrX-47574546-G-A. GRCh37 (hg19) VCF-style: chrX-47433945-G-A.
Other names: c.1438C>T, p.Pro480Ser (NM_133499.2); short protein forms P480S.
Identifiers: ClinVar variation 3633202 (VCV003633202.2).